The following is an entry in ClinVar:

NM_004168.4(SDHA):c.499A>C (p.Lys167Gln)

Gene: SDHA (succinate dehydrogenase complex flavoprotein subunit A; plus strand). Cytogenetic location: 5p15.33.
Variant type: single nucleotide variant.
Coding change: c.499A>C on transcript NM_004168.4 (MANE Select); coding-DNA position 499, A replaced by C.
Protein change: p.Lys167Gln; replaces lysine 167 with glutamine.
Molecular consequence: missense variant.
Genome position (GRCh38, 1-based): chr5:225,925, A>C. VCF-style: chr5-225925-A-C. GRCh37 (hg19) VCF-style: chr5-226040-A-C.
Other names: c.355A>C, p.Lys119Gln (NM_001294332.2); c.499A>C, p.Lys167Gln (NM_001330758.2); short protein forms K167Q, K119Q.
Identifiers: ClinVar variation 583035 (VCV000583035.15), dbSNP rs763578369, ClinGen allele CA3172862.
Genomic context (GRCh38, chr5:225,925, plus strand): 5'-TGTTTTTATCTTTCACAGCTAGAAAATTATGGCATGCCGTTTAGCAGAACTGAAGATGGG[A>C]AGATTTATCAGCGTGCATTTGGTGGACAGAGCCTCAAGTTTGGAAAGGGCGGGCAGGCCC-3'
Protein context (NP_004159.2, residues 157-177): GMPFSRTEDG[Lys167Gln]IYQRAFGGQS

ClinVar aggregate classification (germline): Uncertain significance. Review status: criteria provided, multiple submitters, no conflicts (2 of 4 stars). 4 submissions from 4 submitters: Uncertain significance (4). Last evaluated 2025-11-05.

Conditions:
Mitochondrial complex II deficiency, nuclear type 1. Also called: SUCCINATE CoQ REDUCTASE DEFICIENCY. Identifiers: Orphanet 3208, MedGen C5700310, MONDO:0100294, OMIM 252011.
Pheochromocytoma/paraganglioma syndrome 5. Also called: Paragangliomas 5; SDHA-Related Hereditary Paraganglioma-Pheochromocytoma Syndrome. Identifiers: Orphanet 29072, MedGen C3279992, MONDO:0013602, OMIM 614165.
Hereditary cancer-predisposing syndrome. Also called: Hereditary neoplastic syndrome; Neoplastic Syndromes, Hereditary; Hereditary Cancer Syndrome; Tumor predisposition. Identifiers: Orphanet 140162, MedGen C0027672, MeSH D009386, MONDO:0015356.

Allele frequency attached by ClinVar (database versions not stated): gnomAD 0.00001; TOPMed 0.00002; ExAC 0.00002; gnomAD exomes 0.00002.
gnomAD v4.1: 36 of 1,613,448 alleles (0.0022%); highest among the groups gnomAD compares: Non-Finnish European, 0.0031%; no homozygotes.

Submissions (4):

Labcorp Genetics (formerly Invitae), Labcorp
Classification: Uncertain significance for Pheochromocytoma/paraganglioma syndrome 5; Mitochondrial complex II deficiency, nuclear type 1. Last evaluated: 2025-11-05. Review status: criteria provided, single submitter. Criteria: Invitae Variant Classification Sherloc (09022015). Collection method: clinical testing. Allele origin: germline.
Comment: This sequence change replaces lysine, which is basic and polar, with glutamine, which is neutral and polar, at codon 167 of the SDHA protein (p.Lys167Gln). This variant is present in population databases (rs763578369, gnomAD 0.004%). This variant has not been reported in the literature in individuals affected with SDHA-related conditions. ClinVar contains an entry for this variant (Variation ID: 583035). Invitae Evidence Modeling of protein sequence and biophysical properties (such as structural, functional, and spatial information, amino acid conservation, physicochemical variation, residue mobility, and thermodynamic stability) indicates that this missense variant is not expected to disrupt SDHA protein function with a negative predictive value of 95%. In summary, the available evidence is currently insufficient to determine the role of this variant in disease. Therefore, it has been classified as a Variant of Uncertain Significance.

Quest Diagnostics Nichols Institute San Juan Capistrano
Classification: Uncertain significance. Last evaluated: 2025-07-25. Review status: criteria provided, single submitter. Criteria: Quest Diagnostics criteria. Collection method: clinical testing. Allele origin: unknown.
Comment: The SDHA c.499A>C (p.Lys167Gln) variant has not been reported in individuals with SDHA-related conditions in the published literature. The frequency of this variant in the general population (Genome Aggregation Database) is uninformative in the assessment of its pathogenicity. Analysis of this variant using bioinformatics tools for the prediction of the effect of amino acid changes on protein structure and function yielded conflicting predictions that this variant is benign or damaging. Based on the available information, we are unable to determine the clinical significance of this variant.

Ambry Genetics
Classification: Uncertain significance for Hereditary cancer-predisposing syndrome. Last evaluated: 2024-12-27. Review status: criteria provided, single submitter. Criteria: Ambry Variant Classification Scheme 2023. Collection method: clinical testing. Allele origin: germline.
Comment: The p.K167Q variant (also known as c.499A>C), located in coding exon 5 of the SDHA gene, results from an A to C substitution at nucleotide position 499. The lysine at codon 167 is replaced by glutamine, an amino acid with similar properties. This amino acid position is not well conserved in available vertebrate species. In addition, this alteration is predicted to be tolerated by in silico analysis. Based on the available evidence, the clinical significance of this variant remains unclear.

Blueprint Genetics
Classification: Uncertain significance. Last evaluated: 2024-10-07. Review status: criteria provided, single submitter. Criteria: ACMG Guidelines, 2015. Collection method: clinical testing. Allele origin: germline.